The following is an entry in ClinVar:

NM_000059.4(BRCA2):c.6668T>C (p.Phe2223Ser)

Gene: BRCA2 (BRCA2 DNA repair associated; plus strand). Cytogenetic location: 13q13.1.
Variant type: single nucleotide variant.
Coding change: c.6668T>C on transcript NM_000059.4 (MANE Select); coding-DNA position 6668, T replaced by C.
Protein change: p.Phe2223Ser; replaces phenylalanine 2223 with serine.
Molecular consequence: missense variant. On other transcripts: non-coding transcript variant (1), intron variant (2).
Genome position (GRCh38, 1-based): chr13:32,341,023, T>C. VCF-style: chr13-32341023-T-C. GRCh37 (hg19) VCF-style: chr13-32915160-T-C.
Other names: c.6668T>C, p.Phe2223Ser (NM_001406719.1, NM_001406720.1); c.1910-3535T>C (NM_001406721.1); c.425-3535T>C (NM_001406722.1); short protein forms F2223S.
Identifiers: ClinVar variation 2566002 (VCV002566002.4), dbSNP rs2137529615, ClinGen allele CA387790500.

ClinVar aggregate classification (germline): Uncertain significance. Review status: criteria provided, multiple submitters, no conflicts (2 of 4 stars). 2 submissions from 2 submitters: Uncertain significance (2). Last evaluated 2024-11-17.

Conditions:
Hereditary breast ovarian cancer syndrome. Also called: BRCA1- and BRCA2-Associated Hereditary Breast and Ovarian Cancer; Hereditary breast and ovarian cancer syndrome (HBOC); Hereditary breast and ovarian cancer syndrome; Breast and ovarian cancer; Hereditary breast and/or ovarian cancer syndrome; Hereditary breast and ovarian cancer. Identifiers: Orphanet 145, MedGen C0677776, MeSH D061325, MONDO:0003582. Disease mechanism: loss of function.
Hereditary cancer-predisposing syndrome. Also called: Neoplastic Syndromes, Hereditary; Hereditary Cancer Syndrome; Hereditary neoplastic syndrome; Tumor predisposition. Identifiers: Orphanet 140162, MedGen C0027672, MeSH D009386, MONDO:0015356.

Allele frequency attached by ClinVar (database versions not stated): gnomAD exomes below 0.00001.
gnomAD v4.1: 1 of 1,613,570 alleles (0.000062%); highest among the groups gnomAD compares: Non-Finnish European, 0.000085%; no homozygotes.

Submissions (2):

Labcorp Genetics (formerly Invitae), Labcorp
Classification: Uncertain significance for Hereditary breast ovarian cancer syndrome. Last evaluated: 2024-11-17. Review status: criteria provided, single submitter. Criteria: Invitae Variant Classification Sherloc (09022015). Collection method: clinical testing. Allele origin: germline.
Comment: This sequence change replaces phenylalanine, which is neutral and non-polar, with serine, which is neutral and polar, at codon 2223 of the BRCA2 protein (p.Phe2223Ser). This variant is not present in population databases (gnomAD no frequency). This variant has not been reported in the literature in individuals affected with BRCA2-related conditions. ClinVar contains an entry for this variant (Variation ID: 2566002). Invitae Evidence Modeling of protein sequence and biophysical properties (such as structural, functional, and spatial information, amino acid conservation, physicochemical variation, residue mobility, and thermodynamic stability) indicates that this missense variant is not expected to disrupt BRCA2 protein function with a negative predictive value of 95%. In summary, the available evidence is currently insufficient to determine the role of this variant in disease. Therefore, it has been classified as a Variant of Uncertain Significance.

Ambry Genetics
Classification: Uncertain significance for Hereditary cancer-predisposing syndrome. Last evaluated: 2023-04-23. Review status: criteria provided, single submitter. Criteria: Ambry Variant Classification Scheme 2023. Collection method: clinical testing. Allele origin: germline.
Comment: The p.F2223S variant (also known as c.6668T>C), located in coding exon 10 of the BRCA2 gene, results from a T to C substitution at nucleotide position 6668. The phenylalanine at codon 2223 is replaced by serine, an amino acid with highly dissimilar properties. This amino acid position is conserved. In addition, the in silico prediction for this alteration is inconclusive. Since supporting evidence is limited at this time, the clinical significance of this alteration remains unclear.